The following is an entry in ClinVar:

ClinVar aggregate classification (germline): Conflicting classifications of pathogenicity. Review status: criteria provided, conflicting classifications (1 of 4 stars). 2 submissions from 2 submitters: Uncertain significance (1); Likely benign (1). Last evaluated 2025-09-04.

Conditions:
Inborn genetic diseases. Identifiers: MedGen C0950123, MeSH D030342.
KCNC2-related disorder.

gnomAD v4.1: 48 of 1,583,554 alleles (0.003%); highest among the groups gnomAD compares: African/African-American, 0.062%; no homozygotes.

Submissions (2):

PreventionGenetics, part of Exact Sciences
Classification: Likely benign for KCNC2-related condition. Last evaluated: 2025-09-04. Review status: criteria provided, single submitter. Criteria: ACMG Guidelines, 2015. Collection method: clinical testing. Allele origin: germline.
Comment: This variant is classified as likely benign based on ACMG/AMP sequence variant interpretation guidelines (Richards et al. 2015 PMID: 25741868, with internal and published modifications).

Ambry Genetics
Classification: Uncertain significance for Inborn genetic diseases. Last evaluated: 2024-03-15. Review status: criteria provided, single submitter. Criteria: Ambry Variant Classification Scheme 2023. Collection method: clinical testing. Allele origin: germline.

NM_139137.4(KCNC2):c.596G>C (p.Gly199Ala)

Gene: KCNC2 (potassium voltage-gated channel subfamily C member 2; minus strand). Cytogenetic location: 12q21.1.
Variant type: single nucleotide variant.
Coding change: c.596G>C on transcript NM_139137.4 (MANE Select); coding-DNA position 596, G replaced by C.
Protein change: p.Gly199Ala; replaces glycine 199 with alanine.
Molecular consequence: missense variant. On other transcripts: non-coding transcript variant (2).
Genome position (GRCh38, 1-based): chr12:75,207,388, C>G on the plus strand (G>C on the coding strand, the complement: KCNC2 is on the minus strand). VCF-style: chr12-75207388-C-G. GRCh37 (hg19) VCF-style: chr12-75601168-C-G.
Other names: c.596G>C (NM_139137.3); c.596G>C, p.Gly199Ala (NM_001260498.2, NM_001260499.2, NM_001414192.1 and 13 more transcripts); short protein forms G199A.
Identifiers: ClinVar variation 3287518 (VCV003287518.2).
Genomic context (GRCh38, chr12:75,207,388, plus strand): 5'-AAGAGGGCCCACATGCGGGGCTGCAGCCTCCTCCAGCGGCCAGATTTGCCGTCGGGGCCC[C>G]CGAGCCCCGCCGCGTCCTCGATGCCCAGCCTCTTGGCCGCCAGGTCCTCGTCGTCGCCGG-3'
Protein context (NP_631875.1, residues 189-209): RLGIEDAAGL[Gly199Ala]GPDGKSGRWR